The following is an entry in ClinVar:

ClinVar aggregate classification (germline): Uncertain significance (1 of 4 stars; one submission).

Submission:

Ambry Genetics
Classification: Uncertain significance. Last evaluated: 2024-11-23. Review status: criteria provided, single submitter. Criteria: Ambry Variant Classification Scheme 2023. Collection method: clinical testing. Allele origin: germline.
Comment: The p.I316V variant (also known as c.946A>G), located in coding exon 7 of the RNF43 gene, results from an A to G substitution at nucleotide position 946. The isoleucine at codon 316 is replaced by valine, an amino acid with highly similar properties. This amino acid position is conserved. In addition, this alteration is predicted to be tolerated by in silico analysis. Based on the available evidence, the clinical significance of this variant remains unclear.

NM_017763.6(RNF43):c.946A>G (p.Ile316Val)

Gene: RNF43 (ring finger protein 43; minus strand). Cytogenetic location: 17q22.
Variant type: single nucleotide variant.
Coding change: c.946A>G on transcript NM_017763.6 (MANE Select); coding-DNA position 946, A replaced by G.
Protein change: p.Ile316Val; replaces isoleucine 316 with valine.
Molecular consequence: missense variant.
Genome position (GRCh38, 1-based): chr17:58,360,155, T>C on the plus strand (A>G on the coding strand, the complement: RNF43 is on the minus strand). VCF-style: chr17-58360155-T-C. GRCh37 (hg19) VCF-style: chr17-56437516-T-C.
Other names: c.946A>G, p.Ile316Val (NM_001305544.3); c.565A>G, p.Ile189Val (NM_001305545.2); short protein forms I316V, I189V.
Identifiers: ClinVar variation 3434508 (VCV003434508.1).